The following is an entry in ClinVar:

NM_005751.5(AKAP9):c.8200A>T (p.Ser2734Cys)

Gene: AKAP9 (A-kinase anchoring protein 9; plus strand). Cytogenetic location: 7q21.2.
Variant type: single nucleotide variant.
Coding change: c.8200A>T on transcript NM_005751.5 (MANE Select); coding-DNA position 8200, A replaced by T.
Protein change: p.Ser2734Cys; replaces serine 2734 with cysteine.
Molecular consequence: missense variant.
Genome position (GRCh38, 1-based): chr7:92,083,209, A>T. VCF-style: chr7-92083209-A-T. GRCh37 (hg19) VCF-style: chr7-91712523-A-T.
Other names: c.2845A>T, p.Ser949Cys (NM_001379277.1); c.8176A>T, p.Ser2726Cys (NM_147185.3); short protein forms S2726C, S2734C, S949C.
Identifiers: ClinVar variation 665693 (VCV000665693.7), dbSNP rs1554453992, ClinGen allele CA368138108.
Genomic context (GRCh38, chr7:92,083,209, plus strand): 5'-GTTCTATTCATTACGTTTTAGGTAAAAGAAACAAATATGACATCTCTTCAGAAAGACTTA[A>T]GCCAAGTTAGGGATCACCTCGCAGAGGCAAAAGAGAAATTGTCCATTTTAGAAAAAGAAG-3'
Protein context (NP_005742.4, residues 2724-2744): TNMTSLQKDL[Ser2734Cys]QVRDHLAEAK

ClinVar aggregate classification (germline): Uncertain significance. Review status: criteria provided, multiple submitters, no conflicts (2 of 4 stars). 2 submissions from 2 submitters: Uncertain significance (2). Last evaluated 2025-08-28.

Conditions:
Cardiovascular phenotype. Identifiers: MedGen CN230736.
Long QT syndrome (LQTS). Identifiers: MedGen C0023976, MeSH D008133, MONDO:0002442. Disease mechanism: loss of function. Inheritance: Various modes of inheritance.

Allele frequency attached by ClinVar (database versions not stated): gnomAD exomes 0.00001.
gnomAD v4.1: 3 of 1,614,128 alleles (0.00019%); highest among the groups gnomAD compares: East Asian, 0.0067%; no homozygotes.

Submissions (2):

Ambry Genetics
Classification: Uncertain significance for Cardiovascular phenotype. Last evaluated: 2025-08-28. Review status: criteria provided, single submitter. Criteria: Ambry Variant Classification Scheme 2023. Collection method: clinical testing. Allele origin: germline.
Comment: The p.S2734C variant (also known as c.8200A>T), located in coding exon 33 of the AKAP9 gene, results from an A to T substitution at nucleotide position 8200. The serine at codon 2734 is replaced by cysteine, an amino acid with dissimilar properties. This amino acid position is conserved. In addition, this alteration is predicted to be tolerated by in silico analysis. Based on the available evidence, the clinical significance of this variant remains unclear.

Labcorp Genetics (formerly Invitae), Labcorp
Classification: Uncertain significance for Long QT syndrome. Last evaluated: 2021-08-30. Review status: criteria provided, single submitter. Criteria: Invitae Variant Classification Sherloc (09022015). Collection method: clinical testing. Allele origin: germline.
Comment: This sequence change replaces serine with cysteine at codon 2734 of the AKAP9 protein (p.Ser2734Cys). The serine residue is weakly conserved and there is a moderate physicochemical difference between serine and cysteine. This variant is not present in population databases (ExAC no frequency). This variant has not been reported in the literature in individuals affected with AKAP9-related conditions. Algorithms developed to predict the effect of missense changes on protein structure and function (SIFT, PolyPhen-2, Align-GVGD) all suggest that this variant is likely to be tolerated. In summary, the available evidence is currently insufficient to determine the role of this variant in disease. Therefore, it has been classified as a Variant of Uncertain Significance.